The following is an entry in ClinVar:

ClinVar aggregate classification (germline): Uncertain significance (1 of 4 stars; one submission).

Conditions:
Charcot-Marie-Tooth disease type 4. Also called: Charcot-Marie-Tooth, Type 4; Charcot-Marie-Tooth disease, type IV. Identifiers: Orphanet 64749, MedGen C4082197, MONDO:0018995.

Submission:

Labcorp Genetics (formerly Invitae), Labcorp
Classification: Uncertain significance for Charcot-Marie-Tooth disease type 4. Last evaluated: 2017-09-24. Review status: criteria provided, single submitter. Criteria: Invitae Variant Classification Sherloc (09022015). Collection method: clinical testing. Allele origin: germline.
Comment: This sequence change replaces leucine with serine at codon 176 of the SBF2 protein (p.Leu176Ser). The leucine residue is moderately conserved and there is a large physicochemical difference between leucine and serine. This variant has not been reported in the literature in individuals with SBF2-related disease. In summary, the available evidence is currently insufficient to determine the role of this variant in disease. Therefore, it has been classified as a Variant of Uncertain Significance. Algorithms developed to predict the effect of missense changes on protein structure and function do not agree on the potential impact of this missense change (SIFT: "Deleterious"; PolyPhen-2: "Probably Damaging"; Align-GVGD: "Class C0"). This variant is not present in population databases (ExAC no frequency).

NM_030962.4(SBF2):c.527T>C (p.Leu176Ser)

Gene: SBF2 (SET binding factor 2; minus strand). Cytogenetic location: 11p15.4.
Variant type: single nucleotide variant.
Coding change: c.527T>C on transcript NM_030962.4 (MANE Select); coding-DNA position 527, T replaced by C.
Protein change: p.Leu176Ser; replaces leucine 176 with serine.
Molecular consequence: missense variant.
Genome position (GRCh38, 1-based): chr11:10,028,544, A>G on the plus strand (T>C on the coding strand, the complement: SBF2 is on the minus strand). VCF-style: chr11-10028544-A-G. GRCh37 (hg19) VCF-style: chr11-10050091-A-G.
Other names: c.527T>C, p.Leu176Ser (NM_001386339.1, NM_001386342.1); short protein forms L176S.
Identifiers: ClinVar variation 543434 (VCV000543434.9), dbSNP rs1554990128, ClinGen allele CA379646071.